The following is an entry in ClinVar:

NM_006231.4(POLE):c.3481G>A (p.Val1161Ile)

Gene: POLE (DNA polymerase epsilon, catalytic subunit; minus strand). Cytogenetic location: 12q24.33.
Variant type: single nucleotide variant.
Coding change: c.3481G>A on transcript NM_006231.4 (MANE Select); coding-DNA position 3481, G replaced by A.
Protein change: p.Val1161Ile; replaces valine 1161 with isoleucine.
Molecular consequence: missense variant.
Genome position (GRCh38, 1-based): chr12:132,657,237, C>T on the plus strand (G>A on the coding strand, the complement: POLE is on the minus strand). VCF-style: chr12-132657237-C-T. GRCh37 (hg19) VCF-style: chr12-133233823-C-T.
Other names: short protein forms V1161I.
Identifiers: ClinVar variation 540652 (VCV000540652.6), dbSNP rs1555225160, ClinGen allele CA387388741.
Genomic context (GRCh38, chr12:132,657,237, plus strand): 5'-TCTGCTTGTAGACATCATTCTTCTCCAGCAGTTTTTTGTGCAGCCAGTCGGGGTGTTTGA[C>T]ACGTGGCACTGGGTTCTTTACCTGTGTGAGGCCAACACCCATCAGAGAGAGACCCTTGTC-3'
Protein context (NP_006222.2, residues 1151-1171): LQQVKNPVPR[Val1161Ile]KHPDWLHKKL

ClinVar aggregate classification (germline): Uncertain significance (1 of 4 stars; one submission).

Submission:

Labcorp Genetics (formerly Invitae), Labcorp
Classification: Uncertain significance. Last evaluated: 2021-11-25. Review status: criteria provided, single submitter. Criteria: Invitae Variant Classification Sherloc (09022015). Collection method: clinical testing. Allele origin: germline.
Comment: In summary, the available evidence is currently insufficient to determine the role of this variant in disease. Therefore, it has been classified as a Variant of Uncertain Significance. Algorithms developed to predict the effect of missense changes on protein structure and function are either unavailable or do not agree on the potential impact of this missense change (SIFT: "Deleterious"; PolyPhen-2: "Benign"; Align-GVGD: "Class C25"). ClinVar contains an entry for this variant (Variation ID: 540652). This variant has not been reported in the literature in individuals affected with POLE-related conditions. This variant is not present in population databases (gnomAD no frequency). This sequence change replaces valine, which is neutral and non-polar, with isoleucine, which is neutral and non-polar, at codon 1161 of the POLE protein (p.Val1161Ile).